The following is an entry in ClinVar:

NM_000155.4(GALT):c.275C>A (p.Thr92Asn)

Gene: GALT (galactose-1-phosphate uridylyltransferase; plus strand). Cytogenetic location: 9p13.3.
Variant type: single nucleotide variant.
Coding change: c.275C>A on transcript NM_000155.4 (MANE Select); coding-DNA position 275, C replaced by A.
Protein change: p.Thr92Asn; replaces threonine 92 with asparagine.
Molecular consequence: missense variant. On other transcripts: intron variant (1).
Genome position (GRCh38, 1-based): chr9:34,647,514, C>A. VCF-style: chr9-34647514-C-A. GRCh37 (hg19) VCF-style: chr9-34647511-C-A.
Other names: c.50+256C>A (NM_001258332.2); short protein forms T92N.
Identifiers: ClinVar variation 495674 (VCV000495674.1), dbSNP rs1554709207, ClinGen allele CA373279161.

ClinVar aggregate classification (germline): Uncertain significance (1 of 4 stars; one submission).

Submission:

Women's Health and Genetics/Laboratory Corporation of America, LabCorp
Classification: Uncertain significance. Last evaluated: 2017-04-24. Review status: criteria provided, single submitter. Criteria: LabCorp Variant Classification Summary - May 2015. Collection method: clinical testing. Allele origin: germline.
Comment: Variant summary: The GALT c.275C>A (p.Thr92Asn) variant involves the alteration of a conserved nucleotide. 4/4 in silico tools predict a damaging outcome for this variant (SNPsandGO not captured due to low reliability index). This variant is absent in 121412 control chromosomes. The variant of interest has not, to our knowledge, been reported in affected individuals via publications and/or reputable databases/clinical diagnostic laboratories; nor evaluated for functional impact by in vivo/vitro studies. Because of the absence of clinical information and the lack of functional studies, the variant is classified as a variant of uncertain significance (VUS) until additional information becomes available.